The following is an entry in ClinVar:

ClinVar aggregate classification (germline): Pathogenic/Likely pathogenic. Review status: criteria provided, multiple submitters, no conflicts (2 of 4 stars). 4 submissions from 4 submitters: Pathogenic (1); Likely pathogenic (2). 1 of the submissions does not count toward it. Last evaluated 2025-08-22.

Conditions:
Thoracic aortic aneurysm or dissection.
Familial thoracic aortic aneurysm and aortic dissection (TAAD). Also called: Thoracic aortic aneurysms and dissections. Identifiers: Orphanet 91387, MedGen C4707243, MONDO:0019625.
Marfan syndrome (MFS). Also called: MARFAN SYNDROME, TYPE I; FBN1-Related Marfan Syndrome; Marfan syndrome, classic; Marfan syndrome type 1; Marfan's syndrome. Identifiers: Orphanet 284963, Orphanet 558, MedGen C0024796, MONDO:0007947, OMIM 154700.

Submissions (4):

GeneDx
Classification: Likely pathogenic. Last evaluated: 2025-08-22. Review status: criteria provided, single submitter. Criteria: GeneDx Variant Classification Process June 2021. Collection method: clinical testing. Allele origin: germline. Affected: yes.
Comment: Not observed at significant frequency in large population cohorts (gnomAD); In silico analysis supports that this missense variant has a deleterious effect on protein structure/function; Introduces a new cysteine residue within an EGF-like domain of the FBN1 gene, which may affect disulfide bonding and is predicted to alter the structure and function of the protein; cysteine substitutions in the EGF-like domains represent the majority of pathogenic missense changes associated with FBN1-related disorders (PMID: 12938084); This variant is associated with the following publications: (PMID: 12938084, 40169830, 37558401)

NHS Central & South Genomic Laboratory Hub
Classification: Pathogenic for Thoracic aortic aneurysm or dissection. Last evaluated: 2025-04-09. Review status: criteria provided, single submitter. Criteria: ACMG Guidelines, 2015. Collection method: clinical testing. Allele origin: germline. Affected: yes.

Ambry Genetics
Classification: Likely pathogenic for Familial thoracic aortic aneurysm and aortic dissection. Last evaluated: 2025-03-18. Review status: criteria provided, single submitter. Criteria: Ambry Variant Classification Scheme 2023. Collection method: clinical testing. Allele origin: germline.
Comment: The p.Y2236C variant (also known as c.6707A>G), located in coding exon 54 of the FBN1 gene, results from an A to G substitution at nucleotide position 6707. The tyrosine at codon 2236 is replaced by cysteine, an amino acid with highly dissimilar properties. The majority of FBN1 mutations identified to date have involved the substitution or generation of cysteine residues within cbEGF domains (Vollbrandt T et al. J Biol Chem. 2004;279(31):32924-32931). This variant was reported in individual(s) with features consistent with Marfan syndrome (Ambry internal data; external communication). This variant is considered to be rare based on population cohorts in the Genome Aggregation Database (gnomAD). This amino acid position is highly conserved in available vertebrate species. In addition, this alteration is predicted to be deleterious by in silico analysis. Based on the majority of available evidence to date, this variant is likely to be pathogenic.

Department of Laboratory Medicine and Genetics, Samsung Medical Center
Classification: Pathogenic for Marfan syndrome. Last evaluated: 2025-01-02. Review status: no assertion criteria provided. Collection method: clinical testing. Allele origin: germline. Affected: yes. Not counted in ClinVar's aggregate classification.
Comment: The NM_000138.5:c.6707A>G is considered to be rare in the general population database (gnomAD v2.1.1). This variant is predicted to be deleterious by in-silico analysis (REVEL). This variant is located in functional domains. According to the ClinGen guidance for PP1/BS4 and PP4 criteria (PMID: 38103548), PP4 with weighted strength was applied. In summary, this variant was classified as a pathogenic variant for Marfan syndrome (PM1, PP2, PP3, PP4 with weighted strength, PM2_P).

Literature cited by the submitters: PubMed 37558401 (cited by Department of Laboratory Medicine and Genetics, Samsung Medical Center).

NM_000138.5(FBN1):c.6707A>G (p.Tyr2236Cys)

Gene: FBN1 (fibrillin 1; minus strand). Cytogenetic location: 15q21.1.
Variant type: single nucleotide variant.
Coding change: c.6707A>G on transcript NM_000138.5 (MANE Select); coding-DNA position 6707, A replaced by G.
Protein change: p.Tyr2236Cys; replaces tyrosine 2236 with cysteine.
Molecular consequence: missense variant.
Genome position (GRCh38, 1-based): chr15:48,432,898, T>C on the plus strand (A>G on the coding strand, the complement: FBN1 is on the minus strand). VCF-style: chr15-48432898-T-C. GRCh37 (hg19) VCF-style: chr15-48725095-T-C.
Other names: short protein forms Y2236C.
Identifiers: ClinVar variation 264354 (VCV000264354.10), dbSNP rs368439899, ClinGen allele CA10587796.